The following is an entry in ClinVar:

NM_024408.4(NOTCH2):c.2479+230A>C

Gene: NOTCH2 (notch receptor 2; minus strand). Cytogenetic location: 1p12.
Variant type: single nucleotide variant.
Coding change: c.2479+230A>C on transcript NM_024408.4 (MANE Select); 230 bases into the intron after coding-DNA position 2479, A replaced by C.
Molecular consequence: intron variant.
Genome position (GRCh38, 1-based): chr1:119,950,494, T>G on the plus strand (A>C on the coding strand, the complement: NOTCH2 is on the minus strand). VCF-style: chr1-119950494-T-G. GRCh37 (hg19) VCF-style: chr1-120493117-T-G.
Other names: c.2479+230A>C (NM_001200001.2).
Identifiers: ClinVar variation 2639047 (VCV002639047.24), dbSNP rs150281901, ClinGen allele CA1040271.

ClinVar aggregate classification (germline): Likely benign (1 of 4 stars; one submission).

Allele frequency attached by ClinVar (database versions not stated): 1000 Genomes Project 30x 0.00062; 1000 Genomes Project 0.00080; gnomAD 0.00084; TOPMed 0.00100; gnomAD exomes 0.00111; ExAC 0.00143.

Submission:

CeGaT Center for Human Genetics Tuebingen
Classification: Likely benign. Last evaluated: 2024-09-01. Review status: criteria provided, single submitter. Criteria: CeGaT Center For Human Genetics Tuebingen Variant Classification Criteria Version 2. Collection method: clinical testing. Allele origin: germline. Affected: yes. Observed: 4 variant alleles.
Comment: NOTCH2: BS1